The following is an entry in ClinVar:

NM_001394062.1(MACF1):c.20797A>T (p.Met6933Leu)

Gene: MACF1 (microtubule actin crosslinking factor 1; plus strand). Cytogenetic location: 1p34.3.
Variant type: single nucleotide variant.
Coding change: c.20797A>T on transcript NM_001394062.1 (MANE Select); coding-DNA position 20797, A replaced by T.
Protein change: p.Met6933Leu; replaces methionine 6933 with leucine.
Molecular consequence: missense variant.
Genome position (GRCh38, 1-based): chr1:39,453,761, A>T. VCF-style: chr1-39453761-A-T. GRCh37 (hg19) VCF-style: chr1-39919433-A-T.
Other names: c.8875A>T, p.Met2959Leu (NM_001397473.1); c.14620A>T, p.Met4874Leu (NM_012090.5); short protein forms M4874L, M6933L, M2959L.
Identifiers: ClinVar variation 4721434 (VCV004721434.1).

ClinVar aggregate classification (germline): Uncertain significance (1 of 4 stars; one submission).

gnomAD v4.1: 1 of 1,614,192 alleles (0.000062%); highest among the groups gnomAD compares: Admixed American, 0.0017%; no homozygotes.

Submission:

Labcorp Genetics (formerly Invitae), Labcorp
Classification: Uncertain significance. Last evaluated: 2025-06-15. Review status: criteria provided, single submitter. Criteria: Invitae Variant Classification Sherloc (09022015). Collection method: clinical testing. Allele origin: germline.
Comment: This sequence change replaces methionine, which is neutral and non-polar, with leucine, which is neutral and non-polar, at codon 4874 of the MACF1 protein (p.Met4874Leu). This variant is not present in population databases (gnomAD no frequency). This variant has not been reported in the literature in individuals affected with MACF1-related conditions. An algorithm developed to predict the effect of missense changes on protein structure and function (PolyPhen-2) suggests that this variant is likely to be disruptive. In summary, the available evidence is currently insufficient to determine the role of this variant in disease. Therefore, it has been classified as a Variant of Uncertain Significance.